The following is an entry in ClinVar:

ClinVar aggregate classification (germline): Uncertain significance (1 of 4 stars; one submission).

Conditions:
Hajdu-Cheney syndrome (HJCYS). Also called: SERPENTINE FIBULA-POLYCYSTIC KIDNEY SYNDROME; Acroosteolysis dominant type; ACROOSTEOLYSIS WITH OSTEOPOROSIS AND CHANGES IN SKULL AND MANDIBLE. Identifiers: Orphanet 955, MedGen C0917715, MONDO:0007057, OMIM 102500.

Submission:

Labcorp Genetics (formerly Invitae), Labcorp
Classification: Uncertain significance for Hajdu-Cheney syndrome. Last evaluated: 2022-09-26. Review status: criteria provided, single submitter. Criteria: Invitae Variant Classification Sherloc (09022015). Collection method: clinical testing. Allele origin: germline.
Comment: This sequence change replaces proline, which is neutral and non-polar, with serine, which is neutral and polar, at codon 1418 of the NOTCH2 protein (p.Pro1418Ser). This variant is not present in population databases (gnomAD no frequency). This variant has not been reported in the literature in individuals affected with NOTCH2-related conditions. Advanced modeling of protein sequence and biophysical properties (such as structural, functional, and spatial information, amino acid conservation, physicochemical variation, residue mobility, and thermodynamic stability) performed at Invitae indicates that this missense variant is not expected to disrupt NOTCH2 protein function. In summary, the available evidence is currently insufficient to determine the role of this variant in disease. Therefore, it has been classified as a Variant of Uncertain Significance.

NM_024408.4(NOTCH2):c.4252C>T (p.Pro1418Ser)

Gene: NOTCH2 (notch receptor 2; minus strand). Cytogenetic location: 1p12.
Variant type: single nucleotide variant.
Coding change: c.4252C>T on transcript NM_024408.4 (MANE Select); coding-DNA position 4252, C replaced by T.
Protein change: p.Pro1418Ser; replaces proline 1418 with serine.
Molecular consequence: missense variant.
Genome position (GRCh38, 1-based): chr1:119,925,564, G>A on the plus strand (C>T on the coding strand, the complement: NOTCH2 is on the minus strand). VCF-style: chr1-119925564-G-A. GRCh37 (hg19) VCF-style: chr1-120468187-G-A.
Other names: short protein forms P1418S.
Identifiers: ClinVar variation 1720415 (VCV001720415.6), dbSNP rs2101162440, ClinGen allele CA341890343.